The following is an entry in ClinVar:

ClinVar aggregate classification (germline): Uncertain significance. Review status: criteria provided, multiple submitters, no conflicts (2 of 4 stars). 2 submissions from 2 submitters: Uncertain significance (2). Last evaluated 2025-04-10.

Conditions:
Inborn genetic diseases. Identifiers: MedGen C0950123, MeSH D030342.

Allele frequency attached by ClinVar (database versions not stated): gnomAD 0.00001; gnomAD exomes 0.00001; TOPMed below 0.00001; ExAC 0.00001.
gnomAD v4.1: 5 of 1,614,078 alleles (0.00031%); highest among the groups gnomAD compares: East Asian, 0.0089%; no homozygotes.

Submissions (2):

Ambry Genetics
Classification: Uncertain significance for Inborn genetic diseases. Last evaluated: 2025-04-10. Review status: criteria provided, single submitter. Criteria: Ambry Variant Classification Scheme 2023. Collection method: clinical testing. Allele origin: germline.

Labcorp Genetics (formerly Invitae), Labcorp
Classification: Uncertain significance. Last evaluated: 2022-06-01. Review status: criteria provided, single submitter. Criteria: Invitae Variant Classification Sherloc (09022015). Collection method: clinical testing. Allele origin: germline.
Comment: In summary, the available evidence is currently insufficient to determine the role of this variant in disease. Therefore, it has been classified as a Variant of Uncertain Significance. Algorithms developed to predict the effect of missense changes on protein structure and function (SIFT, PolyPhen-2, Align-GVGD) all suggest that this variant is likely to be tolerated. This variant has not been reported in the literature in individuals affected with MCM3AP-related conditions. This variant is present in population databases (rs755840552, gnomAD 0.02%). This sequence change replaces threonine, which is neutral and polar, with isoleucine, which is neutral and non-polar, at codon 1848 of the MCM3AP protein (p.Thr1848Ile).

NM_003906.5(MCM3AP):c.5543C>T (p.Thr1848Ile)

Genes: MCM3AP (minichromosome maintenance complex component 3 associated protein; minus strand), MCM3AP-AS1 (MCM3AP antisense RNA 1; plus strand). Cytogenetic location: 21q22.3.
Variant type: single nucleotide variant.
Coding change: c.5543C>T on transcript NM_003906.5 (MANE Select); coding-DNA position 5543, C replaced by T.
Protein change: p.Thr1848Ile; replaces threonine 1848 with isoleucine.
Molecular consequence: missense variant. On other transcripts: non-coding transcript variant (4).
Genome position (GRCh38, 1-based): chr21:46,240,901, G>A on the plus strand (C>T on the coding strand, the complement: MCM3AP is on the minus strand). VCF-style: chr21-46240901-G-A. GRCh37 (hg19) VCF-style: chr21-47660815-G-A.
Other names: c.5543C>T (NM_003906.3); short protein forms T1848I.
Identifiers: ClinVar variation 2121391 (VCV002121391.4), dbSNP rs755840552, ClinGen allele CA10075820.